The following is an entry in ClinVar:

NM_001267550.2(TTN):c.39709+14C>T

Gene: TTN (titin; minus strand). Cytogenetic location: 2q31.2.
Variant type: single nucleotide variant.
Coding change: c.39709+14C>T on transcript NM_001267550.2 (MANE Select); 14 bases into the intron after coding-DNA position 39709, C replaced by T.
Molecular consequence: intron variant.
Genome position (GRCh38, 1-based): chr2:178,650,737, G>A on the plus strand (C>T on the coding strand, the complement: TTN is on the minus strand). VCF-style: chr2-178650737-G-A. GRCh37 (hg19) VCF-style: chr2-179515464-G-A.
Other names: c.13283-8420C>T (NM_003319.4); c.13859-8420C>T (NM_133437.4); c.13658-8420C>T (NM_133432.3); c.32407+14C>T (NM_133378.4); c.35188+14C>T (NM_001256850.1).
Identifiers: ClinVar variation 390336 (VCV000390336.9), dbSNP rs760314415, ClinGen allele CA1996623.

ClinVar aggregate classification (germline): Likely benign. Review status: criteria provided, multiple submitters, no conflicts (2 of 4 stars). 2 submissions from 2 submitters: Likely benign (2). Last evaluated 2026-01-17.

Conditions:
Dilated cardiomyopathy 1G (CMD1G). Identifiers: Orphanet 154, MedGen C1858763, MONDO:0011400, OMIM 604145.
Autosomal recessive limb-girdle muscular dystrophy type 2J (LGMDR10). Also called: MUSCULAR DYSTROPHY, LIMB-GIRDLE, AUTOSOMAL RECESSIVE 10; Limb-girdle muscular dystrophy, type 2J. Identifiers: Orphanet 140922, MedGen C1837342, MONDO:0012127, OMIM 608807.

Allele frequency attached by ClinVar (database versions not stated): gnomAD exomes 0.00001; gnomAD 0.00003 and 0.00004; ExAC 0.00006; TOPMed 0.00006.
gnomAD v4.1: 14 of 1,589,182 alleles (0.00088%); highest among the groups gnomAD compares: African/African-American, 0.0067%; no homozygotes.

Submissions (2):

Labcorp Genetics (formerly Invitae), Labcorp
Classification: Likely benign for Dilated cardiomyopathy 1G; Autosomal recessive limb-girdle muscular dystrophy type 2J. Last evaluated: 2026-01-17. Review status: criteria provided, single submitter. Criteria: Invitae Variant Classification Sherloc (09022015). Collection method: clinical testing. Allele origin: germline.

GeneDx
Classification: Likely benign. Last evaluated: 2016-10-25. Review status: criteria provided, single submitter. Criteria: GeneDx Variant Classification (06012015). Collection method: clinical testing. Allele origin: germline. Affected: yes.
Comment: This variant is considered likely benign or benign based on one or more of the following criteria: it is a conservative change, it occurs at a poorly conserved position in the protein, it is predicted to be benign by multiple in silico algorithms, and/or has population frequency not consistent with disease.